The following is an entry in ClinVar:

NM_016222.4(DDX41):c.645-20G>A

Gene: DDX41 (DEAD-box helicase 41; minus strand). Cytogenetic location: 5q35.3.
Variant type: single nucleotide variant.
Coding change: c.645-20G>A on transcript NM_016222.4 (MANE Select); 20 bases into the intron before coding-DNA position 645, G replaced by A.
Molecular consequence: intron variant.
Genome position (GRCh38, 1-based): chr5:177,515,089, C>T on the plus strand (G>A on the coding strand, the complement: DDX41 is on the minus strand). VCF-style: chr5-177515089-C-T. GRCh37 (hg19) VCF-style: chr5-176942090-C-T.
Other names: c.267-20G>A (NM_001321830.2, NM_001321732.2); c.645-20G>A (NM_016222.2).
Identifiers: ClinVar variation 2842534 (VCV002842534.4), dbSNP rs781318967, ClinGen allele CA3585070.
Genomic context (GRCh38, chr5:177,515,089, plus strand): 5'-AACCCGTGAAAGCGATGCCTATCATGTCACGGCCAGATAGACTGTTGGGAGAGGATGACC[C>T]GAGGGCCAATTTCAACAGAAGATGAAGGACACCTAGCCATTGCTCCTCCCTGTTCCAGCC-3'

ClinVar aggregate classification (germline): Uncertain significance. Review status: criteria provided, multiple submitters, no conflicts (2 of 4 stars). 2 submissions from 2 submitters: Uncertain significance (2). Last evaluated 2025-12-02.

Conditions:
Inborn genetic diseases. Identifiers: MedGen C0950123, MeSH D030342.

Allele frequency attached by ClinVar (database versions not stated): ExAC 0.00001.

Submissions (2):

Ambry Genetics
Classification: Uncertain significance for Inborn genetic diseases. Last evaluated: 2025-12-02. Review status: criteria provided, single submitter. Criteria: Ambry Variant Classification Scheme 2023. Collection method: clinical testing. Allele origin: germline.
Comment: The c.645-20G>A intronic variant results from a G to A substitution 20 nucleotides upstream from coding exon 8 in the DDX41 gene. This nucleotide position is not well conserved in available vertebrate species. In silico splice site analysis predicts that this alteration will result in the creation or strengthening of a novel splice acceptor site; however, direct evidence is insufficient at this time (Ambry internal data). Based on the available evidence, the clinical significance of this variant remains unclear.

Labcorp Genetics (formerly Invitae), Labcorp
Classification: Uncertain significance. Last evaluated: 2024-01-10. Review status: criteria provided, single submitter. Criteria: Invitae Variant Classification Sherloc (09022015). Collection method: clinical testing. Allele origin: germline.
Comment: This sequence change falls in intron 7 of the DDX41 gene. It does not directly change the encoded amino acid sequence of the DDX41 protein. This variant is present in population databases (rs781318967, gnomAD 0.006%). This variant has not been reported in the literature in individuals affected with DDX41-related conditions. Algorithms developed to predict the effect of sequence changes on RNA splicing suggest that this variant may disrupt the consensus splice site. In summary, the available evidence is currently insufficient to determine the role of this variant in disease. Therefore, it has been classified as a Variant of Uncertain Significance.